The following is an entry in ClinVar:

NM_015459.5(ATL3):c.611C>T (p.Pro204Leu)

Genes: ATL3 (atlastin GTPase 3; minus strand), LNCROPM (lncRNA regulator of PLAAT3 mediated phospholipid metabolism; plus strand). Cytogenetic location: 11q13.1.
Variant type: single nucleotide variant.
Coding change: c.611C>T on transcript NM_015459.5 (MANE Select); coding-DNA position 611, C replaced by T.
Protein change: p.Pro204Leu; replaces proline 204 with leucine.
Molecular consequence: missense variant.
Genome position (GRCh38, 1-based): chr11:63,646,514, G>A on the plus strand (C>T on the coding strand, the complement: ATL3 is on the minus strand). VCF-style: chr11-63646514-G-A. GRCh37 (hg19) VCF-style: chr11-63413986-G-A.
Other names: c.557C>T, p.Pro186Leu (NM_001290048.2); short protein forms P186L, P204L.
Identifiers: ClinVar variation 853004 (VCV000853004.9), dbSNP rs1279500469, ClinGen allele CA381025883.

ClinVar aggregate classification (germline): Uncertain significance (1 of 4 stars; one submission).

Conditions:
Neuropathy, hereditary sensory, type 1F. Also called: HSN IF; Hereditary sensory neuropathy type IF. Identifiers: Orphanet 36386, MedGen C3810194, MONDO:0014286, OMIM 615632.

Allele frequency attached by ClinVar (database versions not stated): gnomAD exomes below 0.00001.
gnomAD v4.1: 1 of 1,585,622 alleles (0.000063%); highest among the groups gnomAD compares: Non-Finnish European, 0.000086%; no homozygotes.

Submission:

Labcorp Genetics (formerly Invitae), Labcorp
Classification: Uncertain significance for Neuropathy, hereditary sensory, type 1F. Last evaluated: 2019-12-11. Review status: criteria provided, single submitter. Criteria: Invitae Variant Classification Sherloc (09022015). Collection method: clinical testing. Allele origin: germline.
Comment: In summary, the available evidence is currently insufficient to determine the role of this variant in disease. Therefore, it has been classified as a Variant of Uncertain Significance. Algorithms developed to predict the effect of missense changes on protein structure and function are either unavailable or do not agree on the potential impact of this missense change (SIFT: "Deleterious"; PolyPhen-2: "Probably Damaging"; Align-GVGD: "Class C0"). This variant has not been reported in the literature in individuals with ATL3-related conditions. This variant is not present in population databases (ExAC no frequency). This sequence change replaces proline with leucine at codon 204 of the ATL3 protein (p.Pro204Leu). The proline residue is highly conserved and there is a moderate physicochemical difference between proline and leucine.